The following is an entry in ClinVar:

ClinVar aggregate classification (germline): Pathogenic (1 of 4 stars; one submission).

Conditions:
Myofibrillar myopathy 5. Also called: Filaminopathy (type); FILAMINOPATHY, AUTOSOMAL DOMINANT. Identifiers: Orphanet 171445, MedGen C1836050, MONDO:0012289, OMIM 609524.
Distal myopathy with posterior leg and anterior hand involvement. Also called: WILLIAMS DISTAL MYOPATHY. Identifiers: Orphanet 63273, MedGen C3279722, MONDO:0013550, OMIM 614065.
Hypertrophic cardiomyopathy 26. Also called: Cardiomyopathy, familial hypertrophic, 26. Identifiers: Orphanet 75249, MedGen C4310749, MONDO:0014883, OMIM 617047.

Submission:

Labcorp Genetics (formerly Invitae), Labcorp
Classification: Pathogenic for Distal myopathy with posterior leg and anterior hand involvement; Myofibrillar myopathy 5; Hypertrophic cardiomyopathy 26. Last evaluated: 2019-12-05. Review status: criteria provided, single submitter. Criteria: Invitae Variant Classification Sherloc (09022015). Collection method: clinical testing. Allele origin: germline.
Comment: For these reasons, this variant has been classified as Pathogenic. Loss-of-function variants in FLNC are known to be pathogenic (PMID: 27908349). This variant has not been reported in the literature in individuals with FLNC-related conditions. This variant is not present in population databases (ExAC no frequency). This sequence change creates a premature translational stop signal (p.Tyr1028*) in the FLNC gene. It is expected to result in an absent or disrupted protein product.

Literature cited by the submitters: PubMed 27908349.

NM_001458.5(FLNC):c.3084C>A (p.Tyr1028Ter)

Gene: FLNC (filamin C; plus strand). Cytogenetic location: 7q32.1.
Variant type: single nucleotide variant.
Coding change: c.3084C>A on transcript NM_001458.5 (MANE Select); coding-DNA position 3084, C replaced by A.
Protein change: p.Tyr1028Ter; replaces tyrosine 1028 with a stop codon.
Molecular consequence: nonsense.
Genome position (GRCh38, 1-based): chr7:128,844,158, C>A. VCF-style: chr7-128844158-C-A. GRCh37 (hg19) VCF-style: chr7-128484212-C-A.
Other names: c.3084C>A, p.Tyr1028Ter (NM_001127487.2); short protein forms Y1028*.
Identifiers: ClinVar variation 841507 (VCV000841507.8), dbSNP rs761978559, ClinGen allele CA369194255.
Genomic context (GRCh38, chr7:128,844,158, plus strand): 5'-CCGGCCCATCCCCTGCAAGCTGGAGCCAGGCGGTGGAGCGGAAGCCCAGGCTGTGCGCTA[C>A]ATGCCCCCGGAGGAGGGGCCCTACAAGGTGGATATCACCTACGATGGTCACCCGGTGCCT-3'